The following is an entry in ClinVar:

ClinVar aggregate classification (germline): Uncertain significance (1 of 4 stars; one submission).

Submission:

Labcorp Genetics (formerly Invitae), Labcorp
Classification: Uncertain significance. Last evaluated: 2024-02-24. Review status: criteria provided, single submitter. Criteria: Invitae Variant Classification Sherloc (09022015). Collection method: clinical testing. Allele origin: germline.
Comment: This sequence change falls in intron 4 of the RECQL gene. It does not directly change the encoded amino acid sequence of the RECQL protein. It affects a nucleotide within the consensus splice site. The frequency data for this variant in the population databases is considered unreliable, as metrics indicate poor data quality at this position in the gnomAD database. This variant has not been reported in the literature in individuals affected with RECQL-related conditions. ClinVar contains an entry for this variant (Variation ID: 1034869). Variants that disrupt the consensus splice site are a relatively common cause of aberrant splicing (PMID: 17576681, 9536098). Algorithms developed to predict the effect of sequence changes on RNA splicing suggest that this variant may disrupt the consensus splice site. In summary, the available evidence is currently insufficient to determine the role of this variant in disease. Therefore, it has been classified as a Variant of Uncertain Significance.

Literature cited by the submitters: PubMed 17576681; PubMed 9536098.

NM_002907.4(RECQL):c.395-3T>G

Gene: RECQL (RecQ like helicase; minus strand). Cytogenetic location: 12p12.1.
Variant type: single nucleotide variant.
Coding change: c.395-3T>G on transcript NM_002907.4 (MANE Select); 3 bases into the intron before coding-DNA position 395, T replaced by G.
Molecular consequence: intron variant.
Genome position (GRCh38, 1-based): chr12:21,486,588, A>C on the plus strand (T>G on the coding strand, the complement: RECQL is on the minus strand). VCF-style: chr12-21486588-A-C. GRCh37 (hg19) VCF-style: chr12-21639522-A-C.
Other names: c.395-3T>G (NM_032941.3).
Identifiers: ClinVar variation 1034869 (VCV001034869.6), dbSNP rs747067157, ClinGen allele CA6479087.